The following is an entry in ClinVar:

NM_000138.5(FBN1):c.3607A>C (p.Ile1203Leu)

Gene: FBN1 (fibrillin 1; minus strand). Cytogenetic location: 15q21.1.
Variant type: single nucleotide variant.
Coding change: c.3607A>C on transcript NM_000138.5 (MANE Select); coding-DNA position 3607, A replaced by C.
Protein change: p.Ile1203Leu; replaces isoleucine 1203 with leucine.
Molecular consequence: missense variant.
Genome position (GRCh38, 1-based): chr15:48,485,479, T>G on the plus strand (A>C on the coding strand, the complement: FBN1 is on the minus strand). VCF-style: chr15-48485479-T-G. GRCh37 (hg19) VCF-style: chr15-48777676-T-G.
Other names: c.3607A>C, p.Ile1203Leu (NM_001406716.1); short protein forms I1203L.
Identifiers: ClinVar variation 1733162 (VCV001733162.2), dbSNP rs2043498437, ClinGen allele CA392324668.
Genomic context (GRCh38, chr15:48,485,479, plus strand): 5'-AGCTACATTCATAGCTGCCTTCAGAGTTTGTGCAGAAGGTTTCACAACCACCATTCATTA[T>G]GCTGCATTCATCAATGTCTAAAAGAAATGAAAATAATATCACCTTCTGATATGGTTTGGA-3'
Protein context (NP_000129.3, residues 1193-1213): LFCVDIDECS[Ile1203Leu]MNGGCETFCT

ClinVar aggregate classification (germline): Uncertain significance (1 of 4 stars; one submission).

Conditions:
Familial thoracic aortic aneurysm and aortic dissection (TAAD). Also called: Thoracic aortic aneurysms and dissections. Identifiers: Orphanet 91387, MedGen C4707243, MONDO:0019625.

Submission:

Ambry Genetics
Classification: Uncertain significance for Familial thoracic aortic aneurysm and aortic dissection. Last evaluated: 2018-06-25. Review status: criteria provided, single submitter. Criteria: Ambry Variant Classification Scheme 2023. Collection method: clinical testing. Allele origin: germline.
Comment: The p.I1203L variant (also known as c.3607A>C), located in coding exon 29 of the FBN1 gene, results from an A to C substitution at nucleotide position 3607. The isoleucine at codon 1203 is replaced by leucine, an amino acid with highly similar properties. This amino acid position is highly conserved in available vertebrate species. In addition, the in silico prediction for this alteration is inconclusive. Since supporting evidence is limited at this time, the clinical significance of this alteration remains unclear.